The following is an entry in ClinVar:

ClinVar aggregate classification (germline): Likely benign (1 of 4 stars; one submission).

Allele frequency attached by ClinVar (database versions not stated): TOPMed 0.00066; ESP Exome Variant Server 0.00076; 1000 Genomes Project 0.00080; 1000 Genomes Project 30x 0.00094.
gnomAD v4.1: 1,560 of 1,613,772 alleles (0.097%); highest among the groups gnomAD compares: East Asian, 0.93%; 8 homozygotes.

Submission:

CeGaT Center for Human Genetics Tuebingen
Classification: Likely benign. Last evaluated: 2024-02-01. Review status: criteria provided, single submitter. Criteria: CeGaT Center For Human Genetics Tuebingen Variant Classification Criteria Version 2. Collection method: clinical testing. Allele origin: germline. Affected: yes. Observed: 1 variant allele.
Comment: COL24A1: BP4, BS2

NM_152890.7(COL24A1):c.3789+6T>C

Gene: COL24A1 (collagen type XXIV alpha 1 chain; minus strand). Cytogenetic location: 1p22.3.
Variant type: single nucleotide variant.
Coding change: c.3789+6T>C on transcript NM_152890.7 (MANE Select); 6 bases into the intron after coding-DNA position 3789, T replaced by C.
Molecular consequence: intron variant.
Genome position (GRCh38, 1-based): chr1:85,823,530, A>G on the plus strand (T>C on the coding strand, the complement: COL24A1 is on the minus strand). VCF-style: chr1-85823530-A-G. GRCh37 (hg19) VCF-style: chr1-86289213-A-G.
Other names: c.1689+6T>C (NM_001349955.1).
Identifiers: ClinVar variation 3024926 (VCV003024926.22), dbSNP rs187573768, ClinGen allele CA931332.